The following is an entry in ClinVar:

ClinVar aggregate classification (germline): Uncertain significance (1 of 4 stars; one submission).

Submission:

Labcorp Genetics (formerly Invitae), Labcorp
Classification: Uncertain significance. Last evaluated: 2024-06-08. Review status: criteria provided, single submitter. Criteria: Invitae Variant Classification Sherloc (09022015). Collection method: clinical testing. Allele origin: germline.
Comment: This sequence change replaces proline, which is neutral and non-polar, with leucine, which is neutral and non-polar, at codon 320 of the SEC24D protein (p.Pro320Leu). This variant is not present in population databases (gnomAD no frequency). This variant has not been reported in the literature in individuals affected with SEC24D-related conditions. An algorithm developed to predict the effect of missense changes on protein structure and function (PolyPhen-2) suggests that this variant is likely to be disruptive. In summary, the available evidence is currently insufficient to determine the role of this variant in disease. Therefore, it has been classified as a Variant of Uncertain Significance.

NM_014822.4(SEC24D):c.959C>T (p.Pro320Leu)

Gene: SEC24D (SEC24 homolog D, COPII component; minus strand). Cytogenetic location: 4q26.
Variant type: single nucleotide variant.
Coding change: c.959C>T on transcript NM_014822.4 (MANE Select); coding-DNA position 959, C replaced by T.
Protein change: p.Pro320Leu; replaces proline 320 with leucine.
Molecular consequence: missense variant.
Genome position (GRCh38, 1-based): chr4:118,797,765, G>A on the plus strand (C>T on the coding strand, the complement: SEC24D is on the minus strand). VCF-style: chr4-118797765-G-A. GRCh37 (hg19) VCF-style: chr4-119718920-G-A.
Other names: c.962C>T, p.Pro321Leu (NM_001318066.2); short protein forms P320L, P321L.
Identifiers: ClinVar variation 3655163 (VCV003655163.2).